The following is an entry in ClinVar:

NM_000136.3(FANCC):c.632C>T (p.Pro211Leu)

Genes: AOPEP (aminopeptidase O (putative); plus strand), FANCC (FA complementation group C; minus strand). Cytogenetic location: 9q22.32.
Variant type: single nucleotide variant.
Coding change: c.632C>T on transcript NM_000136.3 (MANE Select); coding-DNA position 632, C replaced by T.
Protein change: p.Pro211Leu; replaces proline 211 with leucine.
Molecular consequence: missense variant.
Genome position (GRCh38, 1-based): chr9:95,149,977, G>A on the plus strand (C>T on the coding strand, the complement: FANCC is on the minus strand). VCF-style: chr9-95149977-G-A. GRCh37 (hg19) VCF-style: chr9-97912259-G-A.
Other names: c.632C>T, p.Pro211Leu (NM_001243743.2, NM_001243744.2); short protein forms P211L.
Identifiers: ClinVar variation 1692233 (VCV001692233.4), dbSNP rs140781259, ClinGen allele CA5137680.

ClinVar aggregate classification (germline): Uncertain significance. Review status: criteria provided, multiple submitters, no conflicts (2 of 4 stars). 3 submissions from 3 submitters: Uncertain significance (3). Last evaluated 2024-06-25.

Conditions:
Hereditary cancer-predisposing syndrome. Also called: Hereditary Cancer Syndrome; Hereditary neoplastic syndrome; Neoplastic Syndromes, Hereditary; Tumor predisposition. Identifiers: Orphanet 140162, MedGen C0027672, MeSH D009386, MONDO:0015356.
Fanconi anemia (FA). Also called: Fanconi's anemia. Identifiers: Orphanet 84, MedGen C0015625, MeSH D005199, MONDO:0019391.

gnomAD v4.1: 6 of 1,612,950 alleles (0.00037%); highest among the groups gnomAD compares: African/African-American, 0.008%; no homozygotes.

Submissions (3):

Ambry Genetics
Classification: Uncertain significance for Hereditary cancer-predisposing syndrome. Last evaluated: 2024-06-25. Review status: criteria provided, single submitter. Criteria: Ambry Variant Classification Scheme 2023. Collection method: clinical testing. Allele origin: germline.
Comment: The p.P211L variant (also known as c.632C>T), located in coding exon 6 of the FANCC gene, results from a C to T substitution at nucleotide position 632. The proline at codon 211 is replaced by leucine, an amino acid with similar properties. This amino acid position is well conserved in available vertebrate species. In addition, this alteration is predicted to be tolerated by in silico analysis. Based on the available evidence, the clinical significance of this variant remains unclear.

Labcorp Genetics (formerly Invitae), Labcorp
Classification: Uncertain significance for Fanconi anemia. Last evaluated: 2022-10-24. Review status: criteria provided, single submitter. Criteria: Invitae Variant Classification Sherloc (09022015). Collection method: clinical testing. Allele origin: germline.
Comment: This sequence change replaces proline, which is neutral and non-polar, with leucine, which is neutral and non-polar, at codon 211 of the FANCC protein (p.Pro211Leu). The frequency data for this variant in the population databases is considered unreliable, as metrics indicate poor data quality at this position in the gnomAD database. This variant has not been reported in the literature in individuals affected with FANCC-related conditions. ClinVar contains an entry for this variant (Variation ID: 1692233). Advanced modeling of protein sequence and biophysical properties (such as structural, functional, and spatial information, amino acid conservation, physicochemical variation, residue mobility, and thermodynamic stability) performed at Invitae indicates that this missense variant is not expected to disrupt FANCC protein function. In summary, the available evidence is currently insufficient to determine the role of this variant in disease. Therefore, it has been classified as a Variant of Uncertain Significance.

Sema4
Classification: Uncertain significance for Fanconi anemia. Last evaluated: 2021-05-03. Review status: criteria provided, single submitter. Criteria: Sema4 Curation Guidelines. Collection method: curation. Allele origin: germline.
Comment: The FANCC c.632C>T (p.P211L) variant has not been reported in the literature to our knowledge. It was observed in 1/24714 chromosomes of the African/African American subpopulation in the large and broad cohorts of the Genome Aggregation Database. The variant has not been reported in ClinVar. In silico tools suggest the impact of the variant on protein function is inconclusive, though these predictions have not been confirmed by functional studies. The evidence is insufficient to meet ACMG/AMP criteria for classifying the variant as benign or pathogenic. Thus, the clinical significance of this variant is currently uncertain.